The following is an entry in ClinVar:

ClinVar aggregate classification (germline): Likely pathogenic (1 of 4 stars; one submission).

gnomAD v4.1: 1 of 1,614,160 alleles (0.000062%); highest among the groups gnomAD compares: Admixed American, 0.0017%; no homozygotes.

Submission:

GeneDx
Classification: Likely pathogenic. Last evaluated: 2015-05-20. Review status: criteria provided, single submitter. Criteria: GeneDx Variant Classification (06012015). Collection method: clinical testing. Allele origin: germline. Affected: yes.
Comment: The R227G variant has not been published as a pathogenic variant, nor has it been reported as a benign polymorphism to our knowledge. The R227G variant was not observed in approximately 6,500 individuals of European and African American ancestry in the NHLBI Exome Sequencing Project, indicating it is not a common benign variant in these populations. The R227G variant is a non-conservative amino acid substitution, which is likely to impact secondary protein structure as these residues differ in polarity, charge, size and/or other properties. This substitution occurs at a position conserved in mammals. In silico analysis is inconsistent in its predictions as to whether or not the variant is damaging to the protein structure/function. Missense variants in this residue (R227L, R227Q) and in nearby residues (P221S, P221Q, P221L, K225T, E228K, E228Q, E228G) have been reported in the Human Gene Mutation Database in association with CASR-related disorders (Stenson et al., 2014), supporting the functional importance of this region of the protein. Therefore, this variant is a strong candidate for a pathogenic variant, however the possibility that it is a benign variant cannot be excluded.

NM_000388.4(CASR):c.679C>G (p.Arg227Gly)

Gene: CASR (calcium sensing receptor; plus strand). Cytogenetic location: 3q21.1.
Variant type: single nucleotide variant.
Coding change: c.679C>G on transcript NM_000388.4 (MANE Select); coding-DNA position 679, C replaced by G.
Protein change: p.Arg227Gly; replaces arginine 227 with glycine.
Molecular consequence: missense variant.
Genome position (GRCh38, 1-based): chr3:122,261,714, C>G. VCF-style: chr3-122261714-C-G. GRCh37 (hg19) VCF-style: chr3-121980561-C-G.
Other names: c.679C>G, p.Arg227Gly (NM_001178065.2); short protein forms R227G.
Identifiers: ClinVar variation 427145 (VCV000427145.2), dbSNP rs1085307984, ClinGen allele CA354151111.